The following is an entry in ClinVar:

ClinVar aggregate classification (germline): Uncertain significance. Review status: criteria provided, multiple submitters, no conflicts (2 of 4 stars). 2 submissions from 2 submitters: Uncertain significance (2). Last evaluated 2025-12-17.

Conditions:
Hereditary cancer-predisposing syndrome. Also called: Tumor predisposition; Hereditary Cancer Syndrome; Hereditary neoplastic syndrome; Neoplastic Syndromes, Hereditary. Identifiers: Orphanet 140162, MedGen C0027672, MeSH D009386, MONDO:0015356.

Allele frequency attached by ClinVar (database versions not stated): gnomAD 0.00001; gnomAD exomes 0.00001; ExAC 0.00002.
gnomAD v4.1: 11 of 1,613,366 alleles (0.00068%); highest among the groups gnomAD compares: Non-Finnish European, 0.00025%; no homozygotes.

Submissions (2):

Ambry Genetics
Classification: Uncertain significance for Hereditary cancer-predisposing syndrome. Last evaluated: 2025-12-17. Review status: criteria provided, single submitter. Criteria: Ambry Variant Classification Scheme 2023. Collection method: clinical testing. Allele origin: germline.
Comment: The p.P1766S variant (also known as c.5296C>T), located in coding exon 34 of the ATM gene, results from a C to T substitution at nucleotide position 5296. The proline at codon 1766 is replaced by serine, an amino acid with similar properties. This amino acid position is highly conserved in available vertebrate species. In addition, the in silico prediction for this alteration is inconclusive. Since supporting evidence is limited at this time, the clinical significance of this alteration remains unclear.

Color Diagnostics, LLC DBA Color Health
Classification: Uncertain significance for Hereditary cancer-predisposing syndrome. Last evaluated: 2023-12-21. Review status: criteria provided, single submitter. Criteria: ACMG Guidelines, 2015. Collection method: clinical testing. Allele origin: germline.
Comment: This missense variant replaces proline with serine at codon 1766 of the ATM protein. Computational prediction is inconclusive regarding the impact of this variant on protein structure and function (internally defined REVEL score threshold 0.5 < inconclusive < 0.7, PMID: 27666373). To our knowledge, functional studies have not been reported for this variant. This variant has not been reported in individuals affected with ATM-related disorders in the literature. This variant has been identified in 6/282402 chromosomes in the general population by the Genome Aggregation Database (gnomAD). The available evidence is insufficient to determine the role of this variant in disease conclusively. Therefore, this variant is classified as a Variant of Uncertain Significance.

NM_000051.4(ATM):c.5296C>T (p.Pro1766Ser)

Gene: ATM (ATM serine/threonine kinase; plus strand). Cytogenetic location: 11q22.3.
Variant type: single nucleotide variant.
Coding change: c.5296C>T on transcript NM_000051.4 (MANE Select); coding-DNA position 5296, C replaced by T.
Protein change: p.Pro1766Ser; replaces proline 1766 with serine.
Molecular consequence: missense variant.
Genome position (GRCh38, 1-based): chr11:108,301,766, C>T. VCF-style: chr11-108301766-C-T. GRCh37 (hg19) VCF-style: chr11-108172493-C-T.
Other names: c.5296C>T, p.Pro1766Ser (NM_001351834.2); short protein forms P1766S.
Identifiers: ClinVar variation 2625002 (VCV002625002.5), dbSNP rs778309703, ClinGen allele CA6265669.